The following is an entry in ClinVar:

NM_004612.4(TGFBR1):c.495A>G (p.Ser165=)

Gene: TGFBR1 (transforming growth factor beta receptor 1; plus strand). Cytogenetic location: 9q22.33.
Variant type: single nucleotide variant.
Coding change: c.495A>G on transcript NM_004612.4 (MANE Select); coding-DNA position 495, A replaced by G.
Protein change: p.Ser165=; no amino-acid change (serine 165 retained).
Molecular consequence: synonymous variant. On other transcripts: intron variant (1).
Genome position (GRCh38, 1-based): chr9:99,132,660, A>G. VCF-style: chr9-99132660-A-G. GRCh37 (hg19) VCF-style: chr9-101894942-A-G.
Other names: c.507A>G, p.Ser169= (NM_001306210.2); c.343+3560A>G (NM_001130916.3); c.495A>G (NM_004612.2).
Identifiers: ClinVar variation 918562 (VCV000918562.17), dbSNP rs753147276, ClinGen allele CA042157.

ClinVar aggregate classification (germline): Likely benign. Review status: criteria provided, multiple submitters, no conflicts (2 of 4 stars). 5 submissions from 5 submitters: Likely benign (5). Last evaluated 2026-03-01.

Conditions:
Familial thoracic aortic aneurysm and aortic dissection (TAAD). Also called: Thoracic aortic aneurysms and dissections. Identifiers: Orphanet 91387, MedGen C4707243, MONDO:0019625.
Loeys-Dietz syndrome (LDS). Identifiers: Orphanet 60030, MedGen C2697932, MONDO:0018954.

Allele frequency attached by ClinVar (database versions not stated): gnomAD exomes below 0.00001 and 0.00002; ExAC 0.00002.
gnomAD v4.1: 12 of 1,614,186 alleles (0.00074%); highest among the groups gnomAD compares: South Asian, 0.0055%; no homozygotes.

Submissions (5):

CeGaT Center for Human Genetics Tuebingen
Classification: Likely benign. Last evaluated: 2026-03-01. Review status: criteria provided, single submitter. Criteria: CeGaT Center For Human Genetics Tuebingen Variant Classification Criteria Version 2. Collection method: clinical testing. Allele origin: germline. Affected: yes. Observed: 1 variant allele.
Comment: TGFBR1: BP4, BP7

Labcorp Genetics (formerly Invitae), Labcorp
Classification: Likely benign for Familial thoracic aortic aneurysm and aortic dissection. Last evaluated: 2025-10-31. Review status: criteria provided, single submitter. Criteria: Invitae Variant Classification Sherloc (09022015). Collection method: clinical testing. Allele origin: germline.

All of Us Research Program, National Institutes of Health
Classification: Likely benign for Loeys-Dietz syndrome. Last evaluated: 2023-09-17. Review status: criteria provided, single submitter. Criteria: ACMG Guidelines, 2015. Collection method: clinical testing. Allele origin: germline. Inheritance: Autosomal dominant inheritance. Observed: 5 variant alleles, 5 heterozygotes.
Comment: This study involves interpretation of variants in research participants for the purpose of population health screening. Participant phenotype was not available at the time of variant classification. Additional details can be found in publication PMID: 35346344, PMCID: PMC8962531

Ambry Genetics
Classification: Likely benign for Familial thoracic aortic aneurysm and aortic dissection. Last evaluated: 2020-10-06. Review status: criteria provided, single submitter. Criteria: Ambry Variant Classification Scheme 2023. Collection method: clinical testing. Allele origin: germline.

Color Diagnostics, LLC DBA Color Health
Classification: Likely benign for Familial thoracic aortic aneurysm and aortic dissection. Last evaluated: 2019-07-15. Review status: criteria provided, single submitter. Criteria: ACMG Guidelines, 2015. Collection method: clinical testing. Allele origin: germline.